The following is an entry in ClinVar:

NM_001271.4(CHD2):c.4024C>T (p.Arg1342Trp)

Gene: CHD2 (chromodomain helicase DNA binding protein 2; plus strand). Cytogenetic location: 15q26.1.
Variant type: single nucleotide variant.
Coding change: c.4024C>T on transcript NM_001271.4 (MANE Select); coding-DNA position 4024, C replaced by T.
Protein change: p.Arg1342Trp; replaces arginine 1342 with tryptophan.
Molecular consequence: missense variant.
Genome position (GRCh38, 1-based): chr15:93,000,527, C>T. VCF-style: chr15-93000527-C-T. GRCh37 (hg19) VCF-style: chr15-93543757-C-T.
Other names: short protein forms R1342W.
Identifiers: ClinVar variation 2041832 (VCV002041832.4), dbSNP rs374407665, ClinGen allele CA7748358.
Genomic context (GRCh38, chr15:93,000,527, plus strand): 5'-GTGTCTTGATTTGTATTTTAATCATCATTTTCTCTCCTTTTCCAGGCCAAATTAAAGAAG[C>T]GGAAGCCTCGGGTAAAGAAGGAAAACAAAGTGCCCAGGCTGAAAGAGGAGCATGGAATTG-3'
Protein context (NP_001262.3, residues 1332-1352): TGGEEAKLKK[Arg1342Trp]KPRVKKENKV

ClinVar aggregate classification (germline): Uncertain significance (1 of 4 stars; one submission).

Conditions:
Developmental and epileptic encephalopathy 94 (DEE94). Also called: Epileptic encephalopathy, childhood-onset; CHD2-Related Neurodevelopmental Disorders. Identifiers: Orphanet 1942, Orphanet 2382, MedGen C3809278, MONDO:0014150, OMIM 615369.

Allele frequency attached by ClinVar (database versions not stated): gnomAD 0.00001; TOPMed 0.00002; ExAC 0.00004; ESP Exome Variant Server 0.00008.
gnomAD v4.1: 14 of 1,608,972 alleles (0.00087%); highest among the groups gnomAD compares: Non-Finnish European, 0.0011%; no homozygotes.

Submission:

Labcorp Genetics (formerly Invitae), Labcorp
Classification: Uncertain significance for Developmental and epileptic encephalopathy 94. Last evaluated: 2024-08-06. Review status: criteria provided, single submitter. Criteria: Invitae Variant Classification Sherloc (09022015). Collection method: clinical testing. Allele origin: germline.
Comment: This sequence change replaces arginine, which is basic and polar, with tryptophan, which is neutral and slightly polar, at codon 1342 of the CHD2 protein (p.Arg1342Trp). This variant is present in population databases (rs374407665, gnomAD 0.005%). This variant has not been reported in the literature in individuals affected with CHD2-related conditions. ClinVar contains an entry for this variant (Variation ID: 2041832). Advanced modeling of protein sequence and biophysical properties (such as structural, functional, and spatial information, amino acid conservation, physicochemical variation, residue mobility, and thermodynamic stability) performed at Invitae indicates that this missense variant is not expected to disrupt CHD2 protein function with a negative predictive value of 95%. In summary, the available evidence is currently insufficient to determine the role of this variant in disease. Therefore, it has been classified as a Variant of Uncertain Significance.